The following is an entry in ClinVar:

NM_005045.4(RELN):c.1687G>C (p.Val563Leu)

Gene: RELN (reelin; minus strand). Cytogenetic location: 7q22.1.
Variant type: single nucleotide variant.
Coding change: c.1687G>C on transcript NM_005045.4 (MANE Select); coding-DNA position 1687, G replaced by C.
Protein change: p.Val563Leu; replaces valine 563 with leucine.
Molecular consequence: missense variant.
Genome position (GRCh38, 1-based): chr7:103,652,627, C>G on the plus strand (G>C on the coding strand, the complement: RELN is on the minus strand). VCF-style: chr7-103652627-C-G. GRCh37 (hg19) VCF-style: chr7-103293074-C-G.
Other names: c.1687G>C, p.Val563Leu (NM_173054.3); short protein forms V563L.
Identifiers: ClinVar variation 847873 (VCV000847873.9), dbSNP rs368090783, ClinGen allele CA4422204.

ClinVar aggregate classification (germline): Conflicting classifications of pathogenicity. Review status: criteria provided, conflicting classifications (1 of 4 stars). 3 submissions from 3 submitters: Uncertain significance (2); Likely benign (1). Last evaluated 2026-01-08.

Conditions:
Inborn genetic diseases. Identifiers: MedGen C0950123, MeSH D030342.
RELN-related disorder. Also called: RELN-related condition.
Norman-Roberts syndrome (LIS2). Also called: Lissencephaly 2 (Norman-Roberts type). Identifiers: Orphanet 89844, MedGen C0796089, MONDO:0009760, OMIM 257320.
Familial temporal lobe epilepsy 7. Identifiers: Orphanet 101046, MedGen C4225327, MONDO:0014639, OMIM 616436.

Allele frequency attached by ClinVar (database versions not stated): ExAC 0.00001; gnomAD 0.00002; gnomAD exomes 0.00002; TOPMed 0.00003; ESP Exome Variant Server 0.00008.
gnomAD v4.1: 10 of 1,612,776 alleles (0.00062%); highest among the groups gnomAD compares: African/African-American, 0.0094%; no homozygotes.

Submissions (3):

Labcorp Genetics (formerly Invitae), Labcorp
Classification: Likely benign for Familial temporal lobe epilepsy 7; Norman-Roberts syndrome. Last evaluated: 2026-01-08. Review status: criteria provided, single submitter. Criteria: Invitae Variant Classification Sherloc (09022015). Collection method: clinical testing. Allele origin: germline.

Ambry Genetics
Classification: Uncertain significance for Inborn genetic diseases. Last evaluated: 2025-02-01. Review status: criteria provided, single submitter. Criteria: Ambry Variant Classification Scheme 2023. Collection method: clinical testing. Allele origin: germline.

PreventionGenetics, part of Exact Sciences
Classification: Uncertain significance for RELN-related condition. Last evaluated: 2023-01-27. Review status: criteria provided, single submitter. Criteria: ACMG Guidelines, 2015. Collection method: clinical testing. Allele origin: germline.
Comment: The RELN c.1687G>C variant is predicted to result in the amino acid substitution p.Val563Leu. To our knowledge, this variant has not been reported in the literature. This variant is reported in 0.025% of alleles in individuals of African descent in gnomAD. At this time, the clinical significance of this variant is uncertain due to the absence of conclusive functional and genetic evidence.